The following is an entry in ClinVar:

NM_001447.3(FAT2):c.5512T>C (p.Phe1838Leu)

Genes: FAT2 (FAT atypical cadherin 2; minus strand), SLC36A1 (solute carrier family 36 member 1; plus strand). Cytogenetic location: 5q33.1.
Variant type: single nucleotide variant.
Coding change: c.5512T>C on transcript NM_001447.3 (MANE Select); coding-DNA position 5512, T replaced by C.
Protein change: p.Phe1838Leu; replaces phenylalanine 1838 with leucine.
Molecular consequence: missense variant.
Genome position (GRCh38, 1-based): chr5:151,545,615, A>G on the plus strand (T>C on the coding strand, the complement: FAT2 is on the minus strand). VCF-style: chr5-151545615-A-G. GRCh37 (hg19) VCF-style: chr5-150925176-A-G.
Other names: short protein forms F1838L.
Identifiers: ClinVar variation 2367138 (VCV002367138.8), dbSNP rs142666998, ClinGen allele CA3521275.
Genomic context (GRCh38, chr5:151,545,615, plus strand): 5'-CTTGGGCAGGTCTGGGTGCAAATAATACAGGGCTTCCTTGGTCATGGACATAGACACAGA[A>G]TTGGAAAGAGGGCATGCTCTCATAATCCATCTCTGATACAATGGTTAGGGTTCCCATGCT-3'
Protein context (NP_001438.1, residues 1828-1848): MDYESMPSFQ[Phe1838Leu]CVYVHDQGSP

ClinVar aggregate classification (germline): Uncertain significance. Review status: criteria provided, multiple submitters, no conflicts (2 of 4 stars). 3 submissions from 3 submitters: Uncertain significance (2). 1 of the submissions does not count toward it. Last evaluated 2025-12-26.

Conditions:
FAT2-related disorder. Also called: FAT2-related condition.

Allele frequency attached by ClinVar (database versions not stated): ExAC 0.00012; 1000 Genomes Project 30x 0.00016; gnomAD 0.00027; gnomAD exomes 0.00002; TOPMed 0.00029; ESP Exome Variant Server 0.00062; 1000 Genomes Project 0.00020.
gnomAD v4.1: 66 of 1,614,084 alleles (0.0041%); highest among the groups gnomAD compares: African/African-American, 0.083%; no homozygotes.

Submissions (3):

Labcorp Genetics (formerly Invitae), Labcorp
Classification: Uncertain significance. Last evaluated: 2025-12-26. Review status: criteria provided, single submitter. Criteria: Invitae Variant Classification Sherloc (09022015). Collection method: clinical testing. Allele origin: germline.
Comment: This sequence change replaces phenylalanine, which is neutral and non-polar, with leucine, which is neutral and non-polar, at codon 1838 of the FAT2 protein (p.Phe1838Leu). This variant is present in population databases (rs142666998, gnomAD 0.1%), and has an allele count higher than expected for a pathogenic variant. This variant has not been reported in the literature in individuals affected with FAT2-related conditions. ClinVar contains an entry for this variant (Variation ID: 2367138). An algorithm developed to predict the effect of missense changes on protein structure and function (PolyPhen-2) suggests that this variant is likely to be tolerated. In summary, the available evidence is currently insufficient to determine the role of this variant in disease. Therefore, it has been classified as a Variant of Uncertain Significance.

Ambry Genetics
Classification: Uncertain significance. Last evaluated: 2024-12-05. Review status: criteria provided, single submitter. Criteria: Ambry Variant Classification Scheme 2023. Collection method: clinical testing. Allele origin: germline.

PreventionGenetics, part of Exact Sciences
Classification: Likely benign for FAT2-related condition. Last evaluated: 2022-05-31. Review status: no assertion criteria provided. Collection method: clinical testing. Allele origin: germline. Not counted in ClinVar's aggregate classification.
Comment: This variant is classified as likely benign based on ACMG/AMP sequence variant interpretation guidelines (Richards et al. 2015 PMID: 25741868, with internal and published modifications).